The following is an entry in ClinVar:

ClinVar aggregate classification (germline): Likely benign. Review status: criteria provided, multiple submitters, no conflicts (2 of 4 stars). 2 submissions from 2 submitters: Likely benign (2). Last evaluated 2026-06-29.

Conditions:
Progressive sclerosing poliodystrophy (MTDPS4A). Also called: NEURONAL DEGENERATION OF CHILDHOOD WITH LIVER DISEASE, PROGRESSIVE; Mitochondrial DNA Depletion Syndrome 4A; Alpers-Huttenlocher Syndrome (AHS); ALPERS PROGRESSIVE INFANTILE POLIODYSTROPHY; Alpers Syndrome; Mitochondrial DNA depletion syndrome 4A (Alpers type). Identifiers: Orphanet 726, MedGen C0205710, MONDO:0008758, OMIM 203700.
POLG-related disorder. Also called: POLG-related condition; POLG-Related Disorders; POLG-Related Spectrum Disorders. Identifiers: MedGen C4763519.

Submissions (2):

PreventionGenetics, part of Exact Sciences
Classification: Likely benign for POLG-related condition. Last evaluated: 2026-06-29. Review status: criteria provided, single submitter. Criteria: ACMG Guidelines, 2015. Collection method: clinical testing. Allele origin: germline.
Comment: This variant is classified as likely benign based on ACMG/AMP sequence variant interpretation guidelines (Richards et al. 2015 PMID: 25741868, with internal and published modifications).

Labcorp Genetics (formerly Invitae), Labcorp
Classification: Likely benign for Progressive sclerosing poliodystrophy. Last evaluated: 2023-06-06. Review status: criteria provided, single submitter. Criteria: Invitae Variant Classification Sherloc (09022015). Collection method: clinical testing. Allele origin: germline.

NM_002693.3(POLG):c.2193C>T (p.Ser731=)

Gene: POLG (DNA polymerase gamma, catalytic subunit; minus strand). Cytogenetic location: 15q26.1.
Variant type: single nucleotide variant.
Coding change: c.2193C>T on transcript NM_002693.3 (MANE Select); coding-DNA position 2193, C replaced by T.
Protein change: p.Ser731=; no amino-acid change (serine 731 retained).
Molecular consequence: synonymous variant.
Genome position (GRCh38, 1-based): chr15:89,323,476, G>A on the plus strand (C>T on the coding strand, the complement: POLG is on the minus strand). VCF-style: chr15-89323476-G-A. GRCh37 (hg19) VCF-style: chr15-89866707-G-A.
Other names: c.2193C>T, p.Ser731= (NM_001126131.2).
Identifiers: ClinVar variation 2887757 (VCV002887757.4), dbSNP rs2509230241, ClinGen allele CA492076536.